The following is an entry in ClinVar:

NM_001737.5(C9):c.185T>C (p.Phe62Ser)

Gene: C9 (complement C9; minus strand). Cytogenetic location: 5p13.1.
Variant type: single nucleotide variant.
Coding change: c.185T>C on transcript NM_001737.5 (MANE Select); coding-DNA position 185, T replaced by C.
Protein change: p.Phe62Ser; replaces phenylalanine 62 with serine.
Molecular consequence: missense variant.
Genome position (GRCh38, 1-based): chr5:39,341,699, A>G on the plus strand (T>C on the coding strand, the complement: C9 is on the minus strand). VCF-style: chr5-39341699-A-G. GRCh37 (hg19) VCF-style: chr5-39341801-A-G.
Other names: short protein forms F62S.
Identifiers: ClinVar variation 1470682 (VCV001470682.6), dbSNP rs140251849, ClinGen allele CA3247096.
Genomic context (GRCh38, chr5:39,341,699, plus strand): 5'-ACAGCGTCGGTGCATCTTTTCCCATTAAATTGTCCAAAGACCTCAATGCTTCTTGAACGA[A>G]ACTGCACAATATCAGTTGGAATGATTAGAATTTCTAATGCCAAAAAAAGGGTATGGTCTA-3'
Protein context (NP_001728.1, residues 52-72): SQCDPCLRQM[Phe62Ser]RSRSIEVFGQ

ClinVar aggregate classification (germline): Uncertain significance. Review status: criteria provided, multiple submitters, no conflicts (2 of 4 stars). 2 submissions from 2 submitters: Uncertain significance (2). Last evaluated 2022-07-19.

Allele frequency attached by ClinVar (database versions not stated): ESP Exome Variant Server 0.00008; ExAC 0.00012; gnomAD exomes 0.00012 and 0.00016; gnomAD 0.00016; TOPMed 0.00016.
gnomAD v4.1: 248 of 1,613,910 alleles (0.015%); highest among the groups gnomAD compares: Non-Finnish European, 0.019%; no homozygotes.

Submissions (2):

Labcorp Genetics (formerly Invitae), Labcorp
Classification: Uncertain significance. Last evaluated: 2022-07-19. Review status: criteria provided, single submitter. Criteria: Invitae Variant Classification Sherloc (09022015). Collection method: clinical testing. Allele origin: germline.
Comment: This sequence change replaces phenylalanine, which is neutral and non-polar, with serine, which is neutral and polar, at codon 62 of the C9 protein (p.Phe62Ser). This variant is present in population databases (rs140251849, gnomAD 0.02%). This variant has not been reported in the literature in individuals affected with C9-related conditions. ClinVar contains an entry for this variant (Variation ID: 1470682). Algorithms developed to predict the effect of missense changes on protein structure and function are either unavailable or do not agree on the potential impact of this missense change (SIFT: "Not Available"; PolyPhen-2: "Probably Damaging"; Align-GVGD: "Not Available"). Experimental studies are conflicting or provide insufficient evidence to determine the effect of this variant on C9 function (PMID: 29767720). In summary, the available evidence is currently insufficient to determine the role of this variant in disease. Therefore, it has been classified as a Variant of Uncertain Significance.

Breakthrough Genomics
Classification: Uncertain significance. Review status: criteria provided, single submitter. Criteria: ACMG Guidelines, 2015. Collection method: not provided. Allele origin: germline. Inheritance: Autosomal dominant inheritance. Affected: yes.

Literature cited by the submitters: PubMed 29767720 (cited by Labcorp Genetics (formerly Invitae), Labcorp).